The following is an entry in ClinVar:

NM_001105206.3(LAMA4):c.2950G>A (p.Val984Ile)

Gene: LAMA4 (laminin subunit alpha 4; minus strand). Cytogenetic location: 6q21.
Variant type: single nucleotide variant.
Coding change: c.2950G>A on transcript NM_001105206.3 (MANE Select); coding-DNA position 2950, G replaced by A.
Protein change: p.Val984Ile; replaces valine 984 with isoleucine.
Molecular consequence: missense variant.
Genome position (GRCh38, 1-based): chr6:112,140,786, C>T on the plus strand (G>A on the coding strand, the complement: LAMA4 is on the minus strand). VCF-style: chr6-112140786-C-T. GRCh37 (hg19) VCF-style: chr6-112461988-C-T.
Other names: c.2929G>A, p.Val977Ile (NM_001105207.3, NM_002290.5); short protein forms V977I, V984I.
Identifiers: ClinVar variation 44370 (VCV000044370.19), dbSNP rs145648026, ClinGen allele CA134032.

ClinVar aggregate classification (germline): Likely benign. Review status: criteria provided, multiple submitters, no conflicts (2 of 4 stars). 6 submissions from 6 submitters: Likely benign (3). 3 of the submissions do not count toward it. Last evaluated 2025-12-06.

Conditions:
Dilated cardiomyopathy 1JJ (CMD1JJ). Identifiers: Orphanet 154, MedGen C3808935, MONDO:0014095, OMIM 615235.

Allele frequency attached by ClinVar (database versions not stated): gnomAD exomes 0.00006 and 0.00018; ExAC 0.00023; 1000 Genomes Project 0.00060; gnomAD 0.00068 and 0.00072; 1000 Genomes Project 30x 0.00078; TOPMed 0.00083; ESP Exome Variant Server 0.00092.
gnomAD v4.1: 198 of 1,614,032 alleles (0.012%); highest among the groups gnomAD compares: African/African-American, 0.23%; no homozygotes.

Submissions (6):

Labcorp Genetics (formerly Invitae), Labcorp
Classification: Likely benign for Dilated cardiomyopathy 1JJ. Last evaluated: 2025-12-06. Review status: criteria provided, single submitter. Criteria: Invitae Variant Classification Sherloc (09022015). Collection method: clinical testing. Allele origin: germline.

GeneDx
Classification: Likely benign. Last evaluated: 2020-03-26. Review status: criteria provided, single submitter. Criteria: GeneDx Variant Classification Process June 2021. Collection method: clinical testing. Allele origin: germline. Affected: yes.
Comment: This variant is associated with the following publications: (PMID: 24503780)

Laboratory for Molecular Medicine, Mass General Brigham Personalized Medicine
Classification: Likely benign. Last evaluated: 2012-07-06. Review status: criteria provided, single submitter. Criteria: LMM Criteria. Collection method: clinical testing. Allele origin: germline. Observed: 1 variant allele.
Comment: Val977Ile in exon 22 of LAMA4: This variant is not expected to have clinical sig nificance because it has been identified in 0.3% (12/4406) of African American c hromosomes from a broad population by the NHLBI Exome Sequencing Project (rs145648026). Val977Ile in exon 22 of LAMA4 (rs145 648026; allele frequency = 0.3%, 12/4406) **

Clinical Genetics DNA and cytogenetics Diagnostics Lab, Erasmus MC, Erasmus Medical Center
Classification: Likely benign. Review status: no assertion criteria provided. Collection method: clinical testing. Allele origin: germline. Affected: yes. Study: VKGL Data-share Consensus. Not counted in ClinVar's aggregate classification.

Clinical Genetics, Academic Medical Center
Classification: Likely benign. Review status: no assertion criteria provided. Collection method: clinical testing. Allele origin: germline. Affected: yes. Study: VKGL Data-share Consensus. Not counted in ClinVar's aggregate classification.

Genome Diagnostics Laboratory, University Medical Center Utrecht
Classification: Likely benign. Review status: no assertion criteria provided. Collection method: clinical testing. Allele origin: germline. Affected: yes. Study: VKGL Data-share Consensus. Not counted in ClinVar's aggregate classification.